The following is an entry in ClinVar:

NC_000002.12:g.181680580C>T

Gene: NEUROD1 (neuronal differentiation 1; minus strand). Cytogenetic location: 2q31.3.
Variant type: single nucleotide variant.
Genome position: GRCh38 VCF-style: chr2-181680580-C-T. GRCh37 (hg19) VCF-style: chr2-182545307-C-T.
Other names: c.-162G>A (NM_002500.5).
Identifiers: ClinVar variation 1303540 (VCV001303540.10), dbSNP rs537184640, ClinGen allele CA62111682.

ClinVar aggregate classification (germline): Uncertain significance. Review status: criteria provided, multiple submitters, no conflicts (2 of 4 stars). 4 submissions from 4 submitters: Uncertain significance (4). Last evaluated 2025-11-04.

Allele frequency attached by ClinVar (database versions not stated): gnomAD 0.00001 and 0.00009; TOPMed 0.00002; 1000 Genomes Project 0.00060; 1000 Genomes Project 30x 0.00078.

Submissions (4):

Labcorp Genetics (formerly Invitae), Labcorp
Classification: Uncertain significance. Last evaluated: 2025-11-04. Review status: criteria provided, single submitter. Criteria: Invitae Variant Classification Sherloc (09022015). Collection method: clinical testing. Allele origin: germline.
Comment: This variant occurs in a non-coding region of the NEUROD1 gene. It does not change the encoded amino acid sequence of the NEUROD1 protein. This variant is present in population databases (rs537184640, gnomAD no frequency). This variant has been observed in individual(s) with NEUROD-associated conditions (PMID: 25041077, 30793219). ClinVar contains an entry for this variant (Variation ID: 1303540). Experimental studies and prediction algorithms are not available or were not evaluated, and the functional significance of this variant is currently unknown. In summary, the available evidence is currently insufficient to determine the role of this variant in disease. Therefore, it has been classified as a Variant of Uncertain Significance.

Blueprint Genetics
Classification: Uncertain significance. Last evaluated: 2024-10-16. Review status: criteria provided, single submitter. Criteria: ACMG Guidelines, 2015. Collection method: clinical testing. Allele origin: germline.

Women's Health and Genetics/Laboratory Corporation of America, LabCorp
Classification: Uncertain significance. Last evaluated: 2024-04-04. Review status: criteria provided, single submitter. Criteria: LabCorp Variant Classification Summary - May 2015. Collection method: clinical testing. Allele origin: germline.
Comment: Variant summary: NEUROD1 c.-162G>A is located in the untranscribed region upstream of the NEUROD1 gene region. The variant allele was found at a frequency of 3.2e-05 in 31372 control chromosomes (gnomAD). The available data on variant occurrences in the general population are insufficient to allow any conclusion about variant significance. c.-162G>A has been reported in the literature in an individual affected with Maturity Onset Diabetes of the Young without strong evidence of causality (Chapla_2015). These reports do not provide unequivocal conclusions about association of the variant with Monogenic Diabetes. To our knowledge, no experimental evidence demonstrating an impact on protein function has been reported. The following publication has been ascertained in the context of this evaluation (PMID: 25041077). ClinVar contains an entry for this variant (Variation ID: 1303540). Based on the evidence outlined above, the variant was classified as uncertain significance.

GeneDx
Classification: Uncertain significance. Last evaluated: 2020-10-27. Review status: criteria provided, single submitter. Criteria: GeneDx Variant Classification Process June 2021. Collection method: clinical testing. Allele origin: germline. Affected: yes.
Comment: Observed in an individual with a clinical diagnosis of MODY inherited from their affected father, and co-occurred with a PDX1 variant inherited from their affected mother (Chapla et al., 2015); Not observed at a significant frequency in large population cohorts (Lek et al., 2016); In the absence of RNA/functional studies, the actual effect of this sequence change is unknown; This variant is associated with the following publications: (PMID: 25041077)

Literature cited by the submitters: PubMed 25041077 (cited by Labcorp Genetics (formerly Invitae), Labcorp and Women's Health and Genetics/Laboratory Corporation of America, LabCorp); PubMed 30793219 (cited by Labcorp Genetics (formerly Invitae), Labcorp).